The following is an entry in ClinVar:

ClinVar aggregate classification (germline): Uncertain significance (1 of 4 stars; one submission).

Conditions:
Fabry disease. Also called: ALPHA-GALACTOSIDASE A DEFICIENCY; ANDERSON-FABRY DISEASE; CERAMIDE TRIHEXOSIDASE DEFICIENCY; GLA DEFICIENCY; HEREDITARY DYSTOPIC LIPIDOSIS; Fabry's disease. Identifiers: Orphanet 324, MedGen C0002986, MONDO:0010526, OMIM 301500, HP:0001071. Disease mechanism: loss of function, Fabry disease is due to inactivating mutations in the X-linked GLA gene resulting in deficiency of the enzyme Alpha Galactosidase-A..

Submission:

Color Diagnostics, LLC DBA Color Health
Classification: Uncertain significance for Fabry disease. Last evaluated: 2023-12-04. Review status: criteria provided, single submitter. Criteria: ACMG Guidelines, 2015. Collection method: clinical testing. Allele origin: germline.
Comment: This missense variant replaces tyrosine with aspartic acid at codon 365 of the GLA protein. Computational prediction tools and conservation analyses are inconclusive regarding the impact of this variant on the protein function. Computational splicing tools suggest that this variant may not impact RNA splicing. To our knowledge, functional assays have not been performed for this variant nor has this variant been reported in individuals affected with cardiovascular disorders in the literature. This variant has not been identified in the general population by the Genome Aggregation Database (gnomAD). Available evidence is insufficient to determine the role of this variant in disease conclusively. Therefore, this variant is classified as a Variant of Uncertain Significance.

NM_000169.3(GLA):c.1093T>G (p.Tyr365Asp)

Genes: GLA (galactosidase alpha; minus strand), RPL36A-HNRNPH2 (RPL36A-HNRNPH2 readthrough; plus strand). Cytogenetic location: Xq22.1.
Variant type: single nucleotide variant.
Coding change: c.1093T>G on transcript NM_000169.3 (MANE Select); coding-DNA position 1093, T replaced by G.
Protein change: p.Tyr365Asp; replaces tyrosine 365 with aspartic acid.
Molecular consequence: missense variant. On other transcripts: non-coding transcript variant (3), intron variant (2).
Genome position (GRCh38, 1-based): chrX:101,398,006, A>C on the plus strand (T>G on the coding strand, the complement: GLA is on the minus strand). VCF-style: chrX-101398006-A-C. GRCh37 (hg19) VCF-style: chrX-100652994-A-C.
Other names: c.1216T>G, p.Tyr406Asp (NM_001406747.1); c.300+2549A>C (NM_001199973.2); c.177+6184A>C (NM_001199974.2); short protein forms Y365D, Y406D.
Identifiers: ClinVar variation 920461 (VCV000920461.5), dbSNP rs367658155, ClinGen allele CA413920695.